The following is an entry in ClinVar:

NM_016616.5(NME8):c.1334A>G (p.Gln445Arg)

Gene: NME8 (NME/NM23 family member 8; plus strand). Cytogenetic location: 7p14.1.
Variant type: single nucleotide variant.
Coding change: c.1334A>G on transcript NM_016616.5 (MANE Select); coding-DNA position 1334, A replaced by G.
Protein change: p.Gln445Arg; replaces glutamine 445 with arginine.
Molecular consequence: missense variant.
Genome position (GRCh38, 1-based): chr7:37,888,363, A>G. VCF-style: chr7-37888363-A-G. GRCh37 (hg19) VCF-style: chr7-37927965-A-G.
Other names: short protein forms Q445R.
Identifiers: ClinVar variation 3668758 (VCV003668758.2).

ClinVar aggregate classification (germline): Uncertain significance (1 of 4 stars; one submission).

Conditions:
Primary ciliary dyskinesia 6. Also called: Primary Ciliary Dyskinesia 6: TXNDC3-Related Primary Ciliary Dyskinesia. Identifiers: Orphanet 244, MedGen C1970506, MONDO:0012571, OMIM 610852.

gnomAD v4.1: 2 of 1,613,578 alleles (0.00012%); highest among the groups gnomAD compares: Non-Finnish European, 0.00017%; no homozygotes.

Submission:

Labcorp Genetics (formerly Invitae), Labcorp
Classification: Uncertain significance for Primary ciliary dyskinesia 6. Last evaluated: 2024-11-11. Review status: criteria provided, single submitter. Criteria: Invitae Variant Classification Sherloc (09022015). Collection method: clinical testing. Allele origin: germline.
Comment: This sequence change replaces glutamine, which is neutral and polar, with arginine, which is basic and polar, at codon 445 of the NME8 protein (p.Gln445Arg). This variant is not present in population databases (gnomAD no frequency). This variant has not been reported in the literature in individuals affected with NME8-related conditions. Invitae Evidence Modeling of protein sequence and biophysical properties (such as structural, functional, and spatial information, amino acid conservation, physicochemical variation, residue mobility, and thermodynamic stability) indicates that this missense variant is not expected to disrupt NME8 protein function with a negative predictive value of 80%. In summary, the available evidence is currently insufficient to determine the role of this variant in disease. Therefore, it has been classified as a Variant of Uncertain Significance.